The following is an entry in ClinVar:

NM_031407.7(HUWE1):c.6052G>A (p.Gly2018Ser)

Gene: HUWE1 (HECT, UBA and WWE domain containing E3 ubiquitin protein ligase 1; minus strand). Cytogenetic location: Xp11.22.
Variant type: single nucleotide variant.
Coding change: c.6052G>A on transcript NM_031407.7 (MANE Select); coding-DNA position 6052, G replaced by A.
Protein change: p.Gly2018Ser; replaces glycine 2018 with serine.
Molecular consequence: missense variant.
Genome position (GRCh38, 1-based): chrX:53,575,200, C>T on the plus strand (G>A on the coding strand, the complement: HUWE1 is on the minus strand). VCF-style: chrX-53575200-C-T. GRCh37 (hg19) VCF-style: chrX-53602160-C-T.
Other names: short protein forms G2018S.
Identifiers: ClinVar variation 1313617 (VCV001313617.5), dbSNP rs1556957279, ClinGen allele CA413170295.

ClinVar aggregate classification (germline): Uncertain significance (1 of 4 stars; one submission).

Conditions:
HUWE1-related disorder. Also called: HUWE1-related condition.

Allele frequency attached by ClinVar (database versions not stated): gnomAD exomes 0.00001.
gnomAD v4.1: 1 of 1,204,754 alleles (0.000083%); highest among the groups gnomAD compares: Admixed American, 0.0022%; no homozygotes.

Submission:

GeneDx
Classification: Uncertain significance. Last evaluated: 2026-01-20. Review status: criteria provided, single submitter. Criteria: GeneDx Variant Classification Process June 2021. Collection method: clinical testing. Allele origin: germline. Affected: yes.
Comment: In silico analysis suggests that this missense variant does not alter protein structure/function; Has not been previously published as pathogenic or benign to our knowledge